The following is an entry in ClinVar:

NM_001365276.2(TNXB):c.9846G>A (p.Trp3282Ter)

Gene: TNXB (tenascin XB; minus strand). Cytogenetic location: 6p21.33.
Variant type: single nucleotide variant.
Coding change: c.9846G>A on transcript NM_001365276.2 (MANE Select); coding-DNA position 9846, G replaced by A.
Protein change: p.Trp3282Ter; replaces tryptophan 3282 with a stop codon.
Molecular consequence: nonsense.
Genome position (GRCh38, 1-based): chr6:32,048,562, C>T on the plus strand (G>A on the coding strand, the complement: TNXB is on the minus strand). VCF-style: chr6-32048562-C-T. GRCh37 (hg19) VCF-style: chr6-32016339-C-T.
Other names: c.10587G>A, p.Trp3529Ter (NM_001428335.1); c.9840G>A, p.Trp3280Ter (NM_019105.8); short protein forms W3280*, W3282*, W3529*.
Identifiers: ClinVar variation 5015859 (VCV005015859.1).

ClinVar aggregate classification (germline): Pathogenic (1 of 4 stars; one submission).

Conditions:
Ehlers-Danlos syndrome due to tenascin-X deficiency (EDSCLL1). Also called: EDS DUE TO TNX DEFICIENCY; TNX DEFICIENCY; Ehlers-Danlos syndrome, classic-like, 1; EHLERS-DANLOS SYNDROME, CLASSIC-LIKE; TNXB-Related Classical-Like Ehlers-Danlos Syndrome. Identifiers: Orphanet 230839, MedGen C1848029, MONDO:0011670, OMIM 606408.

Submission:

Myriad Genetics, Inc.
Classification: Pathogenic for Ehlers-Danlos syndrome due to tenascin-X deficiency. Last evaluated: 2026-05-03. Review status: criteria provided, single submitter. Criteria: Myriad Autosomal Dominant, Autosomal Recessive and X-Linked Classification Criteria (2023). Collection method: clinical testing. Allele origin: unknown.
Comment: NM_019105.6(TNXB):c.9840G>A(W3280*) is expected to be pathogenic in the context of classical-like Ehlers-Danlos syndrome, TNXB-related. This variant is predicted to lead to an abnormal or absent protein product due to the creation of a premature termination codon in TNXB, a gene where loss-of-function variants are known to be pathogenic. Please note: this variant was assessed in the context of healthy population screening.